The following is an entry in ClinVar:

ClinVar aggregate classification (germline): Uncertain significance (1 of 4 stars; one submission).

Submission:

Labcorp Genetics (formerly Invitae), Labcorp
Classification: Uncertain significance. Last evaluated: 2022-12-26. Review status: criteria provided, single submitter. Criteria: Invitae Variant Classification Sherloc (09022015). Collection method: clinical testing. Allele origin: germline.
Comment: In summary, the available evidence is currently insufficient to determine the role of this variant in disease. Therefore, it has been classified as a Variant of Uncertain Significance. Advanced modeling of protein sequence and biophysical properties (such as structural, functional, and spatial information, amino acid conservation, physicochemical variation, residue mobility, and thermodynamic stability) performed at Invitae indicates that this missense variant is not expected to disrupt PACS2 protein function. This variant has not been reported in the literature in individuals affected with PACS2-related conditions. This variant is not present in population databases (gnomAD no frequency). This sequence change replaces proline, which is neutral and non-polar, with arginine, which is basic and polar, at codon 729 of the PACS2 protein (p.Pro729Arg).

NM_001100913.3(PACS2):c.2186C>G (p.Pro729Arg)

Gene: PACS2 (phosphofurin acidic cluster sorting protein 2; plus strand). Cytogenetic location: 14q32.33.
Variant type: single nucleotide variant.
Coding change: c.2186C>G on transcript NM_001100913.3 (MANE Select); coding-DNA position 2186, C replaced by G.
Protein change: p.Pro729Arg; replaces proline 729 with arginine.
Molecular consequence: missense variant.
Genome position (GRCh38, 1-based): chr14:105,391,697, C>G. VCF-style: chr14-105391697-C-G. GRCh37 (hg19) VCF-style: chr14-105858034-C-G.
Other names: c.1916C>G, p.Pro639Arg (NM_001243127.3); c.2141C>G, p.Pro714Arg (NM_015197.4); short protein forms P729R, P714R, P639R.
Identifiers: ClinVar variation 2824350 (VCV002824350.3), dbSNP rs782023692, ClinGen allele CA391185878.